The following is an entry in ClinVar:

ClinVar aggregate classification (germline): Uncertain significance (1 of 4 stars; one submission).

Submission:

Labcorp Genetics (formerly Invitae), Labcorp
Classification: Uncertain significance. Last evaluated: 2022-08-16. Review status: criteria provided, single submitter. Criteria: Invitae Variant Classification Sherloc (09022015). Collection method: clinical testing. Allele origin: germline.
Comment: This sequence change replaces valine, which is neutral and non-polar, with alanine, which is neutral and non-polar, at codon 806 of the ADGRV1 protein (p.Val806Ala). In summary, the available evidence is currently insufficient to determine the role of this variant in disease. Therefore, it has been classified as a Variant of Uncertain Significance. Algorithms developed to predict the effect of missense changes on protein structure and function are either unavailable or do not agree on the potential impact of this missense change (SIFT: "Deleterious"; PolyPhen-2: "Possibly Damaging"; Align-GVGD: "Class C0"). ClinVar contains an entry for this variant (Variation ID: 1352739). This variant has not been reported in the literature in individuals affected with ADGRV1-related conditions. This variant is not present in population databases (gnomAD no frequency).

NM_032119.4(ADGRV1):c.2417T>C (p.Val806Ala)

Gene: ADGRV1 (adhesion G protein-coupled receptor V1; plus strand). Cytogenetic location: 5q14.3.
Variant type: single nucleotide variant.
Coding change: c.2417T>C on transcript NM_032119.4 (MANE Select); coding-DNA position 2417, T replaced by C.
Protein change: p.Val806Ala; replaces valine 806 with alanine.
Molecular consequence: missense variant. On other transcripts: non-coding transcript variant (1).
Genome position (GRCh38, 1-based): chr5:90,642,905, T>C. VCF-style: chr5-90642905-T-C. GRCh37 (hg19) VCF-style: chr5-89938722-T-C.
Other names: short protein forms V806A.
Identifiers: ClinVar variation 1352739 (VCV001352739.8), dbSNP rs2149429385, ClinGen allele CA360387853.